The following is an entry in ClinVar:

NM_007294.4(BRCA1):c.4803A>G (p.Lys1601=)

Gene: BRCA1 (BRCA1 DNA repair associated; minus strand). Cytogenetic location: 17q21.31.
Variant type: single nucleotide variant.
Coding change: c.4803A>G on transcript NM_007294.4 (MANE Select); coding-DNA position 4803, A replaced by G.
Protein change: p.Lys1601=; no amino-acid change (lysine 1601 retained).
Molecular consequence: synonymous variant. On other transcripts: intron variant (1).
Genome position (GRCh38, 1-based): chr17:43,071,111, T>C on the plus strand (A>G on the coding strand, the complement: BRCA1 is on the minus strand). VCF-style: chr17-43071111-T-C. GRCh37 (hg19) VCF-style: chr17-41223128-T-C.
Other names: c.4590A>G, p.Lys1530= (NM_001407571.1, NM_001407894.1, NM_001407895.1 and 12 more transcripts); c.4869A>G, p.Lys1623= (NM_001407581.1, NM_001407582.1); c.4866A>G, p.Lys1622= (NM_001407583.1, NM_001407585.1, NM_001407587.1 and 1 more transcripts); c.4863A>G, p.Lys1621= (NM_001407590.1, NM_001407591.1); c.4803A>G, p.Lys1601= (NM_001407593.1, NM_001407594.1, NM_001407596.1 and 8 more transcripts); c.4800A>G, p.Lys1600= (NM_001407610.1, NM_001407611.1, NM_001407612.1 and 17 more transcripts); c.4797A>G, p.Lys1599= (NM_001407627.1, NM_001407628.1, NM_001407629.1 and 14 more transcripts); c.4794A>G, p.Lys1598= (NM_001407644.1, NM_001407645.1); and 71 more.
Identifiers: ClinVar variation 224436 (VCV000224436.19), dbSNP rs886037794, ClinGen allele CA10575939.

ClinVar aggregate classification (germline): Likely benign. Review status: reviewed by expert panel (3 of 4 stars). 6 submissions from 6 submitters: Likely benign (1). 5 of the submissions do not count toward it. Last evaluated 2017-06-29.

Conditions:
Hereditary cancer-predisposing syndrome. Also called: Tumor predisposition; Hereditary Cancer Syndrome; Neoplastic Syndromes, Hereditary; Hereditary neoplastic syndrome. Identifiers: Orphanet 140162, MedGen C0027672, MeSH D009386, MONDO:0015356.
Breast-ovarian cancer, familial, susceptibility to, 1 (BROVCA1). Also called: BRCA1 Hereditary Breast and Ovarian Cancer; OVARIAN CANCER, SUSCEPTIBILITY TO. Identifiers: Orphanet 145, MedGen C2676676, MONDO:0011450, OMIM 604370. Disease mechanism: loss of function.
Hereditary breast ovarian cancer syndrome. Also called: Breast and ovarian cancer; Hereditary breast and ovarian cancer; Hereditary breast and ovarian cancer syndrome; Hereditary breast and/or ovarian cancer syndrome; BRCA1- and BRCA2-Associated Hereditary Breast and Ovarian Cancer; Hereditary breast and ovarian cancer syndrome (HBOC). Identifiers: Orphanet 145, MedGen C0677776, MeSH D061325, MONDO:0003582. Disease mechanism: loss of function.
Breast neoplasm. Also called: Breast Neoplasms; Neoplasm of the breast; Neoplasm of breast; Breast tumor. Identifiers: MedGen C1458155, MeSH D001943, MONDO:0021100, HP:0100013. Disease mechanism: gain of function.

Allele frequency attached by ClinVar (database versions not stated): TOPMed below 0.00001.

Submissions (6):

Evidence-based Network for the Interpretation of Germline Mutant Alleles (ENIGMA)
Classification: Likely benign for Breast-ovarian cancer, familial, susceptibility to, 1. Last evaluated: 2017-06-29. Review status: reviewed by expert panel. Criteria: ENIGMA BRCA1/2 Classification Criteria (2017-06-29). Collection method: curation. Allele origin: germline.
Comment: Synonymous substitution variant, with low bioinformatic likelihood to result in a splicing aberration (Splicing prior probability 0.02).

Labcorp Genetics (formerly Invitae), Labcorp
Classification: Likely benign for Hereditary breast ovarian cancer syndrome. Last evaluated: 2026-01-18. Review status: criteria provided, single submitter. Criteria: Invitae Variant Classification Sherloc (09022015). Collection method: clinical testing. Allele origin: germline. Not counted in ClinVar's aggregate classification.

Color Diagnostics, LLC DBA Color Health
Classification: Likely benign for Hereditary cancer-predisposing syndrome. Last evaluated: 2019-10-01. Review status: criteria provided, single submitter. Criteria: ACMG Guidelines, 2015. Collection method: clinical testing. Allele origin: germline. Not counted in ClinVar's aggregate classification.

GeneDx
Classification: Likely benign. Last evaluated: 2018-04-19. Review status: criteria provided, single submitter. Criteria: GeneDx Variant Classification (06012015). Collection method: clinical testing. Allele origin: germline. Affected: yes. Not counted in ClinVar's aggregate classification.
Comment: This variant is considered likely benign or benign based on one or more of the following criteria: it is a conservative change, it occurs at a poorly conserved position in the protein, it is predicted to be benign by multiple in silico algorithms, and/or has population frequency not consistent with disease.

Ambry Genetics
Classification: Likely benign for Hereditary cancer-predisposing syndrome. Last evaluated: 2016-05-05. Review status: criteria provided, single submitter. Criteria: Ambry Variant Classification Scheme 2023. Collection method: clinical testing. Allele origin: germline. Not counted in ClinVar's aggregate classification.

Laboratory of Molecular Diagnosis of Cancer, West China Hospital, Sichuan University
Classification: Uncertain significance for Breast neoplasm. Last evaluated: 2015-11-01. Review status: criteria provided, single submitter. Criteria: ACMG Guidelines, 2015. Collection method: research. Allele origin: germline. Affected: yes. Observed: 1 variant allele. Not counted in ClinVar's aggregate classification.

Literature cited by the submitters: PubMed 27257965 (cited by Laboratory of Molecular Diagnosis of Cancer, West China Hospital, Sichuan University).